The following is an entry in ClinVar:

ClinVar aggregate classification (germline): Uncertain significance. Review status: criteria provided, multiple submitters, no conflicts (2 of 4 stars). 4 submissions from 4 submitters: Uncertain significance (4). Last evaluated 2026-06-18.

Conditions:
BBS4-related disorder. Also called: BBS4-related condition.
Bardet-Biedl syndrome (BBS). Identifiers: Orphanet 110, MedGen C0752166, MONDO:0015229.

Allele frequency attached by ClinVar (database versions not stated): gnomAD 0.00004; TOPMed 0.00004.
gnomAD v4.1: 6 of 1,614,066 alleles (0.00037%); highest among the groups gnomAD compares: African/African-American, 0.008%; no homozygotes.

Submissions (4):

PreventionGenetics, part of Exact Sciences
Classification: Uncertain significance for BBS4-related condition. Last evaluated: 2026-06-18. Review status: criteria provided, single submitter. Criteria: ACMG Guidelines, 2015. Collection method: clinical testing. Allele origin: germline.
Comment: The BBS4 c.1009A>T variant is predicted to result in the amino acid substitution p.Met337Leu. To our knowledge, this variant has not been reported in the literature. This variant is reported in 0.011% of alleles in individuals of African descent in gnomAD. At this time, the clinical significance of this variant is uncertain due to the absence of conclusive functional and genetic evidence.

Labcorp Genetics (formerly Invitae), Labcorp
Classification: Uncertain significance for Bardet-Biedl syndrome. Last evaluated: 2022-08-23. Review status: criteria provided, single submitter. Criteria: Invitae Variant Classification Sherloc (09022015). Collection method: clinical testing. Allele origin: germline.
Comment: This sequence change replaces methionine, which is neutral and non-polar, with leucine, which is neutral and non-polar, at codon 337 of the BBS4 protein (p.Met337Leu). This variant is present in population databases (no rsID available, gnomAD 0.01%). This variant has not been reported in the literature in individuals affected with BBS4-related conditions. ClinVar contains an entry for this variant (Variation ID: 1060167). Algorithms developed to predict the effect of missense changes on protein structure and function (SIFT, PolyPhen-2, Align-GVGD) all suggest that this variant is likely to be tolerated. In summary, the available evidence is currently insufficient to determine the role of this variant in disease. Therefore, it has been classified as a Variant of Uncertain Significance.

Blueprint Genetics
Classification: Uncertain significance. Last evaluated: 2019-02-25. Review status: criteria provided, single submitter. Criteria: ACMG Guidelines, 2015. Collection method: clinical testing. Allele origin: germline.

Breakthrough Genomics
Classification: Uncertain significance. Review status: criteria provided, single submitter. Criteria: ACMG Guidelines, 2015. Collection method: not provided. Allele origin: germline. Inheritance: Autosomal recessive inheritance. Affected: yes.

NM_033028.5(BBS4):c.1009A>T (p.Met337Leu)

Gene: BBS4 (Bardet-Biedl syndrome 4; plus strand). Cytogenetic location: 15q24.1.
Variant type: single nucleotide variant.
Coding change: c.1009A>T on transcript NM_033028.5 (MANE Select); coding-DNA position 1009, A replaced by T.
Protein change: p.Met337Leu; replaces methionine 337 with leucine.
Molecular consequence: missense variant. On other transcripts: non-coding transcript variant (2).
Genome position (GRCh38, 1-based): chr15:72,731,699, A>T. VCF-style: chr15-72731699-A-T. GRCh37 (hg19) VCF-style: chr15-73024040-A-T.
Other names: c.1009A>T (NM_033028.4); c.493A>T, p.Met165Leu (NM_001252678.2); c.940A>T, p.Met314Leu (NM_001320665.2); short protein forms M165L, M314L, M337L.
Identifiers: ClinVar variation 1060167 (VCV001060167.7), dbSNP rs1021016026, ClinGen allele CA272645597.